The following is an entry in ClinVar:

ClinVar aggregate classification (germline): Uncertain significance (1 of 4 stars; one submission).

gnomAD v4.1: 1 of 1,612,104 alleles (0.000062%); highest among the groups gnomAD compares: Non-Finnish European, 0.000085%; no homozygotes.

Submission:

Ambry Genetics
Classification: Uncertain significance. Last evaluated: 2025-02-16. Review status: criteria provided, single submitter. Criteria: Ambry Variant Classification Scheme 2023. Collection method: clinical testing. Allele origin: germline.
Comment: The p.T462P variant (also known as c.1384A>C), located in coding exon 8 of the ATRIP gene, results from an A to C substitution at nucleotide position 1384. The threonine at codon 462 is replaced by proline, an amino acid with highly similar properties. This amino acid position is conserved. In addition, this alteration is predicted to be tolerated by in silico analysis. Based on the available evidence, the clinical significance of this variant remains unclear.

NM_130384.3(ATRIP):c.1384A>C (p.Thr462Pro)

Genes: ATRIP (ATR interacting protein; plus strand), ATRIP-TREX1 (ATRIP-TREX1 readthrough; plus strand). Cytogenetic location: 3p21.31.
Variant type: single nucleotide variant.
Coding change: c.1384A>C on transcript NM_130384.3 (MANE Select); coding-DNA position 1384, A replaced by C.
Protein change: p.Thr462Pro; replaces threonine 462 with proline.
Molecular consequence: missense variant. On other transcripts: non-coding transcript variant (1).
Genome position (GRCh38, 1-based): chr3:48,460,438, A>C. VCF-style: chr3-48460438-A-C. GRCh37 (hg19) VCF-style: chr3-48501837-A-C.
Other names: c.1003A>C, p.Thr335Pro (NM_001271022.2); c.1105A>C, p.Thr369Pro (NM_001271023.2); c.1384A>C, p.Thr462Pro (NM_032166.4); short protein forms T369P, T462P, T335P.
Identifiers: ClinVar variation 3810831 (VCV003810831.1).